The following is an entry in ClinVar:

NM_001077350.3(NPRL3):c.997G>T (p.Val333Phe)

Genes: HBA-LCR (alpha-globin locus control region; plus strand), NPRL3 (NPR3 like, GATOR1 complex subunit; minus strand). Cytogenetic location: 16p13.3.
Variant type: single nucleotide variant.
Coding change: c.997G>T on transcript NM_001077350.3 (MANE Select); coding-DNA position 997, G replaced by T.
Protein change: p.Val333Phe; replaces valine 333 with phenylalanine.
Molecular consequence: missense variant.
Genome position (GRCh38, 1-based): chr16:93,253, C>A on the plus strand (G>T on the coding strand, the complement: NPRL3 is on the minus strand). VCF-style: chr16-93253-C-A. GRCh37 (hg19) VCF-style: chr16-143251-C-A.
Other names: c.460G>T, p.Val154Phe (NM_001039476.3); c.763G>T, p.Val255Phe (NM_001243247.2); c.922G>T, p.Val308Phe (NM_001243248.2, NM_001243249.2); short protein forms V154F, V255F, V308F, V333F.
Identifiers: ClinVar variation 3766084 (VCV003766084.1).

ClinVar aggregate classification (germline): Uncertain significance (1 of 4 stars; one submission).

gnomAD v4.1: 1 of 1,559,258 alleles (0.000064%); highest among the groups gnomAD compares: Non-Finnish European, 0.000087%; no homozygotes.

Submission:

GeneDx
Classification: Uncertain significance. Last evaluated: 2024-09-03. Review status: criteria provided, single submitter. Criteria: GeneDx Variant Classification Process June 2021. Collection method: clinical testing. Allele origin: germline. Affected: yes.
Comment: Not observed at significant frequency in large population cohorts (gnomAD); In silico analysis supports that this missense variant has a deleterious effect on protein structure/function; Has not been previously published as pathogenic or benign to our knowledge